The following is an entry in ClinVar:

NM_000051.4(ATM):c.8592C>A (p.Tyr2864Ter)

Genes: ATM (ATM serine/threonine kinase; plus strand), C11orf65 (chromosome 11 open reading frame 65; minus strand). Cytogenetic location: 11q22.3.
Variant type: single nucleotide variant.
Coding change: c.8592C>A on transcript NM_000051.4 (MANE Select); coding-DNA position 8592, C replaced by A.
Protein change: p.Tyr2864Ter; replaces tyrosine 2864 with a stop codon.
Molecular consequence: nonsense. On other transcripts: intron variant (2).
Genome position (GRCh38, 1-based): chr11:108,347,286, C>A. VCF-style: chr11-108347286-C-A. GRCh37 (hg19) VCF-style: chr11-108218013-C-A.
Other names: c.8592C>A, p.Tyr2864Ter (NM_001351834.2); c.641-38215G>T (NM_001330368.2); c.695-11994G>T (NM_001351110.2); short protein forms Y2864*.
Identifiers: ClinVar variation 2115090 (VCV002115090.5), dbSNP rs56025670, ClinGen allele CA382520376.

ClinVar aggregate classification (germline): Pathogenic. Review status: criteria provided, multiple submitters, no conflicts (2 of 4 stars). 2 submissions from 2 submitters: Pathogenic (2). Last evaluated 2026-04-28.

Conditions:
Hereditary cancer-predisposing syndrome. Also called: Tumor predisposition; Hereditary Cancer Syndrome; Hereditary neoplastic syndrome; Neoplastic Syndromes, Hereditary. Identifiers: Orphanet 140162, MedGen C0027672, MeSH D009386, MONDO:0015356.
Ataxia-telangiectasia syndrome (AT). Also called: ATAXIA-TELANGIECTASIA, COMPLEMENTATION GROUP A; ATAXIA-TELANGIECTASIA, FRESNO VARIANT; Ataxia-telangiectasia; Ataxia-telangiectasia, complementation group E; LOUIS-BAR SYNDROME; Cerebello-oculocutaneous telangiectasia. Identifiers: Orphanet 100, MedGen C0004135, MONDO:0008840, OMIM 208900.

Submissions (2):

Ambry Genetics
Classification: Pathogenic for Hereditary cancer-predisposing syndrome. Last evaluated: 2026-04-28. Review status: criteria provided, single submitter. Criteria: Ambry Variant Classification Scheme 2023. Collection method: clinical testing. Allele origin: germline.
Comment: The p.Y2864* pathogenic mutation (also known as c.8592C>A), located in coding exon 58 of the ATM gene, results from a C to A substitution at nucleotide position 8592. This changes the amino acid from a tyrosine to a stop codon within coding exon 58. This variant is considered to be rare based on population cohorts in the Genome Aggregation Database (gnomAD). This alteration is expected to result in loss of function by premature protein truncation or nonsense-mediated mRNA decay. As such, this alteration is interpreted as a disease-causing mutation.

Labcorp Genetics (formerly Invitae), Labcorp
Classification: Pathogenic for Ataxia-telangiectasia syndrome. Last evaluated: 2022-10-19. Review status: criteria provided, single submitter. Criteria: Invitae Variant Classification Sherloc (09022015). Collection method: clinical testing. Allele origin: germline.
Comment: This variant is not present in population databases (gnomAD no frequency). For these reasons, this variant has been classified as Pathogenic. This variant has not been reported in the literature in individuals affected with ATM-related conditions. This sequence change creates a premature translational stop signal (p.Tyr2864*) in the ATM gene. It is expected to result in an absent or disrupted protein product. Loss-of-function variants in ATM are known to be pathogenic (PMID: 23807571, 25614872).

Literature cited by the submitters: PubMed 23807571 (cited by Labcorp Genetics (formerly Invitae), Labcorp); PubMed 25614872 (cited by Labcorp Genetics (formerly Invitae), Labcorp).